The following is an entry in ClinVar:

ClinVar aggregate classification (germline): Uncertain significance (1 of 4 stars; one submission).

Conditions:
SEMA3G-related disorder. Also called: SEMA3G-related condition.

Submission:

PreventionGenetics, part of Exact Sciences
Classification: Uncertain significance for SEMA3G-related condition. Last evaluated: 2026-05-22. Review status: criteria provided, single submitter. Criteria: ACMG Guidelines, 2015. Collection method: clinical testing. Allele origin: germline.
Comment: The SEMA3G c.115+3A>G variant is predicted to interfere with splicing. This variant is predicted to weaken the nearby canonical splice donor site based on available splicing prediction programs (SpliceAI, Jaganathan et al. 2019. PubMed ID: 30661751). However, the use of computer prediction programs is not equivalent to functional evidence. To our knowledge, this variant has not been reported in the literature. It is reported in 0.0041% of alleles in individuals of European (Non-Finnish) descent in gnomAD. At this time, the clinical significance of this variant is uncertain due to the absence of conclusive functional and genetic evidence.

NM_020163.3(SEMA3G):c.115+3A>G

Gene: SEMA3G (semaphorin 3G; minus strand). Cytogenetic location: 3p21.1.
Variant type: single nucleotide variant.
Coding change: c.115+3A>G on transcript NM_020163.3 (MANE Select); 3 bases into the intron after coding-DNA position 115, A replaced by G.
Molecular consequence: intron variant.
Genome position (GRCh38, 1-based): chr3:52,444,910, T>C on the plus strand (A>G on the coding strand, the complement: SEMA3G is on the minus strand). VCF-style: chr3-52444910-T-C. GRCh37 (hg19) VCF-style: chr3-52478926-T-C.
Identifiers: ClinVar variation 3351449 (VCV003351449.2).